The following is an entry in ClinVar:

ClinVar aggregate classification (germline): Likely benign (1 of 4 stars; one submission).

Conditions:
Malignant hyperthermia, susceptibility to, 1 (MHS1). Also called: Anesthesia related hyperthermia; Malignant hyperpyrexia; Fulminating hyperpyrexia; Pharmacogenic myopathy; Malignant hyperthermia suceptibility 1; RYR1-Related Malignant Hyperthermia Susceptibility. Identifiers: Orphanet 423, MedGen C2930980, MONDO:0007783, OMIM 145600.

gnomAD v4.1: 1 of 1,614,226 alleles (0.000062%); highest among the groups gnomAD compares: Non-Finnish European, 0.000085%; no homozygotes.

Submission:

All of Us Research Program, National Institutes of Health
Classification: Likely benign for Malignant hyperthermia, susceptibility to, 1. Last evaluated: 2024-05-30. Review status: criteria provided, single submitter. Criteria: ACMG Guidelines, 2015. Collection method: clinical testing. Allele origin: germline. Inheritance: Autosomal dominant inheritance. Observed: 1 variant allele, 1 heterozygote.
Comment: This study involves interpretation of variants in research participants for the purpose of population health screening. Participant phenotype was not available at the time of variant classification. Additional details can be found in publication PMID: 35346344, PMCID: PMC8962531

NM_000540.3(RYR1):c.5859C>T (p.His1953=)

Gene: RYR1 (ryanodine receptor 1; plus strand). Cytogenetic location: 19q13.2.
Variant type: single nucleotide variant.
Coding change: c.5859C>T on transcript NM_000540.3 (MANE Select); coding-DNA position 5859, C replaced by T.
Protein change: p.His1953=; no amino-acid change (histidine 1953 retained).
Molecular consequence: synonymous variant.
Genome position (GRCh38, 1-based): chr19:38,490,120, C>T. VCF-style: chr19-38490120-C-T. GRCh37 (hg19) VCF-style: chr19-38980760-C-T.
Other names: c.5859C>T, p.His1953= (NM_001042723.2).
Identifiers: ClinVar variation 3385409 (VCV003385409.1).
Genomic context (GRCh38, chr19:38,490,120, plus strand): 5'-GGCTGTCCTTCCACAGATGTGCCACCTGCTGGAGTATTTCTGTGACCAAGAGCTGCAGCA[C>T]CGTGTGGAGTCCCTGGCAGCCTTTGCGGAGCGCTATGTGGACAAGCTCCAGGCCAACCAG-3'
Protein context (NP_000531.2, residues 1943-1963): LEYFCDQELQ[His1953=]RVESLAAFAE